The following is an entry in ClinVar:

ClinVar aggregate classification (germline): Uncertain significance (1 of 4 stars; one submission).

Allele frequency attached by ClinVar (database versions not stated): TOPMed below 0.00001; ExAC 0.00001; gnomAD exomes 0.00001.
gnomAD v4.1: 7 of 1,614,234 alleles (0.00043%); highest among the groups gnomAD compares: Admixed American, 0.0083%; no homozygotes.

Submission:

Labcorp Genetics (formerly Invitae), Labcorp
Classification: Uncertain significance. Last evaluated: 2023-04-09. Review status: criteria provided, single submitter. Criteria: Invitae Variant Classification Sherloc (09022015). Collection method: clinical testing. Allele origin: germline.
Comment: In summary, the available evidence is currently insufficient to determine the role of this variant in disease. Therefore, it has been classified as a Variant of Uncertain Significance. An algorithm developed to predict the effect of missense changes on protein structure and function (PolyPhen-2) suggests that this variant is likely to be disruptive. This variant has not been reported in the literature in individuals affected with SLC16A1-related conditions. This variant is present in population databases (rs773407594, gnomAD 0.01%). This sequence change replaces arginine, which is basic and polar, with lysine, which is basic and polar, at codon 261 of the SLC16A1 protein (p.Arg261Lys).

NM_003051.4(SLC16A1):c.782G>A (p.Arg261Lys)

Gene: SLC16A1 (solute carrier family 16 member 1; minus strand). Cytogenetic location: 1p13.2.
Variant type: single nucleotide variant.
Coding change: c.782G>A on transcript NM_003051.4 (MANE Select); coding-DNA position 782, G replaced by A.
Protein change: p.Arg261Lys; replaces arginine 261 with lysine.
Molecular consequence: missense variant.
Genome position (GRCh38, 1-based): chr1:112,917,624, C>T on the plus strand (G>A on the coding strand, the complement: SLC16A1 is on the minus strand). VCF-style: chr1-112917624-C-T. GRCh37 (hg19) VCF-style: chr1-113460246-C-T.
Other names: c.782G>A, p.Arg261Lys (NM_001166496.2); short protein forms R261K.
Identifiers: ClinVar variation 2974811 (VCV002974811.3), dbSNP rs773407594, ClinGen allele CA1011370.